The following is an entry in ClinVar:

ClinVar aggregate classification (germline): Uncertain significance. Review status: criteria provided, multiple submitters, no conflicts (2 of 4 stars). 2 submissions from 2 submitters: Uncertain significance (2). Last evaluated 2023-08-22.

Conditions:
Neuronal ceroid lipofuscinosis 7 (CLN7). Also called: MFSD8-Related Neuronal Ceroid-Lipofuscinosis. Identifiers: Orphanet 168491, Orphanet 228366, MedGen C1838571, MONDO:0012588, OMIM 610951.
Inborn genetic diseases. Identifiers: MedGen C0950123, MeSH D030342.

Allele frequency attached by ClinVar (database versions not stated): gnomAD 0.00001; gnomAD exomes 0.00001; TOPMed 0.00002; ExAC 0.00003; ESP Exome Variant Server 0.00015; 1000 Genomes Project 30x 0.00016; 1000 Genomes Project 0.00020.
gnomAD v4.1: 14 of 1,613,782 alleles (0.00087%); highest among the groups gnomAD compares: African/African-American, 0.0053%; no homozygotes.

Submissions (2):

Ambry Genetics
Classification: Uncertain significance for Inborn genetic diseases. Last evaluated: 2023-08-22. Review status: criteria provided, single submitter. Criteria: Ambry Variant Classification Scheme 2023. Collection method: clinical testing. Allele origin: germline.

Labcorp Genetics (formerly Invitae), Labcorp
Classification: Uncertain significance for Neuronal ceroid lipofuscinosis 7. Last evaluated: 2022-03-29. Review status: criteria provided, single submitter. Criteria: Invitae Variant Classification Sherloc (09022015). Collection method: clinical testing. Allele origin: germline.
Comment: This sequence change replaces asparagine, which is neutral and polar, with serine, which is neutral and polar, at codon 273 of the MFSD8 protein (p.Asn273Ser). This variant is present in population databases (rs143288262, gnomAD 0.01%). This variant has not been reported in the literature in individuals affected with MFSD8-related conditions. Algorithms developed to predict the effect of missense changes on protein structure and function are either unavailable or do not agree on the potential impact of this missense change (SIFT: "Tolerated"; PolyPhen-2: "Probably Damaging"; Align-GVGD: "Class C0"). Algorithms developed to predict the effect of sequence changes on RNA splicing suggest that this variant may create or strengthen a splice site. In summary, the available evidence is currently insufficient to determine the role of this variant in disease. Therefore, it has been classified as a Variant of Uncertain Significance.

NM_001371596.2(MFSD8):c.818A>G (p.Asn273Ser)

Gene: MFSD8 (major facilitator superfamily domain containing 8; minus strand). Cytogenetic location: 4q28.2.
Variant type: single nucleotide variant.
Coding change: c.818A>G on transcript NM_001371596.2 (MANE Select); coding-DNA position 818, A replaced by G.
Protein change: p.Asn273Ser; replaces asparagine 273 with serine.
Molecular consequence: missense variant.
Genome position (GRCh38, 1-based): chr4:127,933,030, T>C on the plus strand (A>G on the coding strand, the complement: MFSD8 is on the minus strand). VCF-style: chr4-127933030-T-C. GRCh37 (hg19) VCF-style: chr4-128854185-T-C.
Other names: c.617A>G, p.Asn206Ser (NM_001363520.3); c.503A>G, p.Asn168Ser (NM_001363521.3); c.683A>G, p.Asn228Ser (NM_001371590.2); c.818A>G, p.Asn273Ser (NM_001371591.2, NM_152778.4); c.824A>G, p.Asn275Ser (NM_001371592.2); c.704A>G, p.Asn235Ser (NM_001371593.2, NM_001410766.1); c.671A>G, p.Asn224Ser (NM_001371594.2); c.536A>G, p.Asn179Ser (NM_001371595.1); and 2 more; short protein forms N123S, N168S, N224S, N275S, N206S, N273S, N179S, N228S.
Identifiers: ClinVar variation 2153256 (VCV002153256.3), dbSNP rs143288262, ClinGen allele CA3077369.